The following is an entry in ClinVar:

ClinVar aggregate classification (germline): Uncertain significance. Review status: criteria provided, multiple submitters, no conflicts (2 of 4 stars). 2 submissions from 2 submitters: Uncertain significance (2). Last evaluated 2025-08-04.

Allele frequency attached by ClinVar (database versions not stated): ExAC 0.00001; gnomAD exomes 0.00001; gnomAD 0.00003 and 0.00004; TOPMed 0.00005; ESP Exome Variant Server 0.00008; 1000 Genomes Project 30x 0.00016; 1000 Genomes Project 0.00020.
gnomAD v4.1: 14 of 1,613,714 alleles (0.00087%); highest among the groups gnomAD compares: African/African-American, 0.013%; no homozygotes.

Submissions (2):

Ambry Genetics
Classification: Uncertain significance. Last evaluated: 2025-08-04. Review status: criteria provided, single submitter. Criteria: Ambry Variant Classification Scheme 2023. Collection method: clinical testing. Allele origin: germline.

Labcorp Genetics (formerly Invitae), Labcorp
Classification: Uncertain significance. Last evaluated: 2025-01-27. Review status: criteria provided, single submitter. Criteria: Invitae Variant Classification Sherloc (09022015). Collection method: clinical testing. Allele origin: germline.
Comment: This sequence change replaces proline, which is neutral and non-polar, with arginine, which is basic and polar, at codon 11 of the LIG1 protein (p.Pro11Arg). The frequency data for this variant in the population databases is considered unreliable, as metrics indicate poor data quality at this position in the gnomAD database. This variant has not been reported in the literature in individuals affected with LIG1-related conditions. ClinVar contains an entry for this variant (Variation ID: 1403607). An algorithm developed to predict the effect of missense changes on protein structure and function (PolyPhen-2) suggests that this variant is likely to be disruptive. In summary, the available evidence is currently insufficient to determine the role of this variant in disease. Therefore, it has been classified as a Variant of Uncertain Significance.

NM_000234.3(LIG1):c.32C>G (p.Pro11Arg)

Gene: LIG1 (DNA ligase 1; minus strand). Cytogenetic location: 19q13.33.
Variant type: single nucleotide variant.
Coding change: c.32C>G on transcript NM_000234.3 (MANE Select); coding-DNA position 32, C replaced by G.
Protein change: p.Pro11Arg; replaces proline 11 with arginine.
Molecular consequence: missense variant. On other transcripts: non-coding transcript variant (2), intron variant (2).
Genome position (GRCh38, 1-based): chr19:48,162,337, G>C on the plus strand (C>G on the coding strand, the complement: LIG1 is on the minus strand). VCF-style: chr19-48162337-G-C. GRCh37 (hg19) VCF-style: chr19-48665594-G-C.
Other names: c.32C>G, p.Pro11Arg (NM_001289064.2, NM_001320970.2); c.18-830C>G (NM_001289063.2, NM_001320971.2); c.32C>G (NM_000234.1); short protein forms P11R.
Identifiers: ClinVar variation 1403607 (VCV001403607.9), dbSNP rs143853302, ClinGen allele CA9547457.